The following is an entry in ClinVar:

ClinVar aggregate classification (germline): Uncertain significance (1 of 4 stars; one submission).

Allele frequency attached by ClinVar (database versions not stated): gnomAD exomes below 0.00001; TOPMed below 0.00001; gnomAD 0.00001.
gnomAD v4.1: 4 of 1,607,488 alleles (0.00025%); highest among the groups gnomAD compares: Non-Finnish European, 0.00034%; no homozygotes.

Submission:

Labcorp Genetics (formerly Invitae), Labcorp
Classification: Uncertain significance. Last evaluated: 2022-04-23. Review status: criteria provided, single submitter. Criteria: Invitae Variant Classification Sherloc (09022015). Collection method: clinical testing. Allele origin: germline.
Comment: This sequence change replaces isoleucine, which is neutral and non-polar, with valine, which is neutral and non-polar, at codon 231 of the POLG2 protein (p.Ile231Val). This variant is not present in population databases (gnomAD no frequency). This variant has not been reported in the literature in individuals affected with POLG2-related conditions. Algorithms developed to predict the effect of missense changes on protein structure and function output the following: SIFT: "Tolerated"; PolyPhen-2: "Benign"; Align-GVGD: "Class C0". The valine amino acid residue is found in multiple mammalian species, which suggests that this missense change does not adversely affect protein function. In summary, the available evidence is currently insufficient to determine the role of this variant in disease. Therefore, it has been classified as a Variant of Uncertain Significance.

NM_007215.4(POLG2):c.691A>G (p.Ile231Val)

Genes: MILR1 (mast cell immunoglobulin like receptor 1; plus strand), POLG2 (DNA polymerase gamma 2, accessory subunit; minus strand). Cytogenetic location: 17q23.3.
Variant type: single nucleotide variant.
Coding change: c.691A>G on transcript NM_007215.4 (MANE Select); coding-DNA position 691, A replaced by G.
Protein change: p.Ile231Val; replaces isoleucine 231 with valine.
Molecular consequence: missense variant.
Genome position (GRCh38, 1-based): chr17:64,492,771, T>C on the plus strand (A>G on the coding strand, the complement: POLG2 is on the minus strand). VCF-style: chr17-64492771-T-C. GRCh37 (hg19) VCF-style: chr17-62488888-T-C.
Other names: short protein forms I231V.
Identifiers: ClinVar variation 1940052 (VCV001940052.5), dbSNP rs1171613995, ClinGen allele CA400639287.